The following is an entry in ClinVar:

ClinVar aggregate classification (germline): Uncertain significance (0 of 4 stars; one submission).

Conditions:
ALMS1-related disorder. Also called: ALMS1-related condition.

Submission:

PreventionGenetics, part of Exact Sciences
Classification: Uncertain significance for ALMS1-related condition. Last evaluated: 2024-06-08. Review status: no assertion criteria provided. Collection method: clinical testing. Allele origin: germline.
Comment: The ALMS1 c.4366G>T variant is predicted to result in the amino acid substitution p.Val1456Phe. This variant was observed in the compound heterozygous state in an individual with obesity (Yu et al. 2023. PubMed ID: 37327085). This variant is reported in 0.0065% of alleles in individuals of African descent in gnomAD. At this time, the clinical significance of this variant is uncertain due to the absence of conclusive functional and genetic evidence.

NM_001378454.1(ALMS1):c.4363G>T (p.Val1455Phe)

Gene: ALMS1 (ALMS1 centrosome and basal body associated protein; plus strand). Cytogenetic location: 2p13.1.
Variant type: single nucleotide variant.
Coding change: c.4363G>T on transcript NM_001378454.1 (MANE Select); coding-DNA position 4363, G replaced by T.
Protein change: p.Val1455Phe; replaces valine 1455 with phenylalanine.
Molecular consequence: missense variant.
Genome position (GRCh38, 1-based): chr2:73,450,890, G>T. VCF-style: chr2-73450890-G-T. GRCh37 (hg19) VCF-style: chr2-73678017-G-T.
Other names: c.4366G>T, p.Val1456Phe (NM_015120.4); short protein forms V1455F, V1456F.
Identifiers: ClinVar variation 3352183 (VCV003352183.1).
Genomic context (GRCh38, chr2:73,450,890, plus strand): 5'-CCTGGTAGTTTCTACCAACAGGTCTTGCCACATAGTCATCTACCTGAAGAGGCTTTGGAA[G>T]TTTCAGTTGCTCCTGGACCAGTTGACCAGACGATTGGCACACCAACTGTAACCTCCCCTT-3'
Protein context (NP_001365383.1, residues 1445-1465): HSHLPEEALE[Val1455Phe]SVAPGPVDQT